The following is an entry in ClinVar:

NM_001042492.3(NF1):c.5818G>T (p.Glu1940Ter)

Gene: NF1 (neurofibromin 1; plus strand). Cytogenetic location: 17q11.2.
Variant type: single nucleotide variant.
Coding change: c.5818G>T on transcript NM_001042492.3 (MANE Select); coding-DNA position 5818, G replaced by T.
Protein change: p.Glu1940Ter; replaces glutamic acid 1940 with a stop codon.
Molecular consequence: nonsense.
Genome position (GRCh38, 1-based): chr17:31,334,843, G>T. VCF-style: chr17-31334843-G-T. GRCh37 (hg19) VCF-style: chr17-29661861-G-T.
Other names: c.5755G>T, p.Glu1919Ter (NM_000267.4); short protein forms E1919*, E1940*.
Identifiers: ClinVar variation 1361439 (VCV001361439.8), dbSNP rs1376900184, ClinGen allele CA399010559.

ClinVar aggregate classification (germline): Pathogenic. Review status: criteria provided, multiple submitters, no conflicts (2 of 4 stars). 2 submissions from 2 submitters: Pathogenic (2). Last evaluated 2025-02-25.

Conditions:
Hereditary cancer-predisposing syndrome. Also called: Hereditary Cancer Syndrome; Hereditary neoplastic syndrome; Tumor predisposition; Neoplastic Syndromes, Hereditary. Identifiers: Orphanet 140162, MedGen C0027672, MeSH D009386, MONDO:0015356.
Cardiovascular phenotype. Identifiers: MedGen CN230736.
Neurofibromatosis, type 1 (NF1). Also called: NEUROFIBROMATOSIS, TYPE I, SOMATIC; VON RECKLINGHAUSEN DISEASE; Neurofibromatosis, type I; Peripheral type neurofibromatosis. Identifiers: Orphanet 636, MedGen C0027831, MONDO:0018975, OMIM 162200. Disease mechanism: loss of function.

Submissions (2):

Labcorp Genetics (formerly Invitae), Labcorp
Classification: Pathogenic for Neurofibromatosis, type 1. Last evaluated: 2025-02-25. Review status: criteria provided, single submitter. Criteria: Invitae Variant Classification Sherloc (09022015). Collection method: clinical testing. Allele origin: germline.
Comment: This sequence change creates a premature translational stop signal (p.Glu1919*) in the NF1 gene. It is expected to result in an absent or disrupted protein product. Loss-of-function variants in NF1 are known to be pathogenic (PMID: 10712197, 23913538). This variant is not present in population databases (gnomAD no frequency). This variant has not been reported in the literature in individuals affected with NF1-related conditions. ClinVar contains an entry for this variant (Variation ID: 1361439). For these reasons, this variant has been classified as Pathogenic.

Ambry Genetics
Classification: Pathogenic for Cardiovascular phenotype; Hereditary cancer-predisposing syndrome. Last evaluated: 2021-08-27. Review status: criteria provided, single submitter. Criteria: Ambry Variant Classification Scheme 2023. Collection method: clinical testing. Allele origin: germline.
Comment: The p.E1919* pathogenic mutation (also known as c.5755G>T), located in coding exon 39 of the NF1 gene, results from a G to T substitution at nucleotide position 5755. This changes the amino acid from a glutamic acid to a stop codon within coding exon 39. This variant is considered to be rare based on population cohorts in the Genome Aggregation Database (gnomAD). This alteration is expected to result in loss of function by premature protein truncation or nonsense-mediated mRNA decay. As such, this alteration is interpreted as a disease-causing mutation.

Literature cited by the submitters: PubMed 10712197 (cited by Labcorp Genetics (formerly Invitae), Labcorp); PubMed 23913538 (cited by Labcorp Genetics (formerly Invitae), Labcorp).